The following is an entry in ClinVar:

ClinVar aggregate classification (germline): Uncertain significance. Review status: criteria provided, multiple submitters, no conflicts (2 of 4 stars). 3 submissions from 3 submitters: Uncertain significance (3). Last evaluated 2023-05-09.

Conditions:
Amyotrophic lateral sclerosis type 21. Also called: VOCAL CORD AND PHARYNGEAL DYSFUNCTION WITH DISTAL MYOPATHY; MYOPATHY, DISTAL, 2. Identifiers: Orphanet 600, Orphanet 803, MedGen C3807521, MONDO:0011632, OMIM 606070.

Allele frequency attached by ClinVar (database versions not stated): gnomAD exomes 0.00001 and 0.00002; ExAC 0.00003.
gnomAD v4.1: 9 of 1,614,186 alleles (0.00056%); highest among the groups gnomAD compares: Middle Eastern, 0.016%; no homozygotes.

Submissions (3):

Clinical Genetics Laboratory, Skane University Hospital Lund
Classification: Uncertain significance. Last evaluated: 2023-05-09. Review status: criteria provided, single submitter. Criteria: ACMG Guidelines, 2015. Collection method: clinical testing. Allele origin: germline. Affected: yes.

Labcorp Genetics (formerly Invitae), Labcorp
Classification: Uncertain significance for Amyotrophic lateral sclerosis type 21. Last evaluated: 2021-11-04. Review status: criteria provided, single submitter. Criteria: Invitae Variant Classification Sherloc (09022015). Collection method: clinical testing. Allele origin: germline.
Comment: This variant is present in population databases (rs772562504, gnomAD 0.004%). This sequence change replaces serine, which is neutral and polar, with proline, which is neutral and non-polar, at codon 748 of the MATR3 protein (p.Ser748Pro). In summary, the available evidence is currently insufficient to determine the role of this variant in disease. Therefore, it has been classified as a Variant of Uncertain Significance. Algorithms developed to predict the effect of missense changes on protein structure and function (SIFT, PolyPhen-2, Align-GVGD) all suggest that this variant is likely to be tolerated. ClinVar contains an entry for this variant (Variation ID: 351136). This variant has not been reported in the literature in individuals affected with MATR3-related conditions.

Illumina Laboratory Services, Illumina
Classification: Uncertain significance for Amyotrophic lateral sclerosis type 21. Last evaluated: 2018-01-13. Review status: criteria provided, single submitter. Criteria: ICSL Variant Classification Criteria 13 December 2019. Collection method: clinical testing. Allele origin: germline.

NM_018834.6(MATR3):c.2242T>C (p.Ser748Pro)

Gene: MATR3 (matrin 3; plus strand). Cytogenetic location: 5q31.2.
Variant type: single nucleotide variant.
Coding change: c.2242T>C on transcript NM_018834.6 (MANE Select); coding-DNA position 2242, T replaced by C.
Protein change: p.Ser748Pro; replaces serine 748 with proline.
Molecular consequence: missense variant.
Genome position (GRCh38, 1-based): chr5:139,325,533, T>C. VCF-style: chr5-139325533-T-C. GRCh37 (hg19) VCF-style: chr5-138661222-T-C.
Other names: c.2242T>C, p.Ser748Pro (NM_001194954.2, NM_001194955.2, NM_199189.3); c.1378T>C, p.Ser460Pro (NM_001194956.2); c.1228T>C, p.Ser410Pro (NM_001282278.2); short protein forms S748P, S460P, S410P.
Identifiers: ClinVar variation 351136 (VCV000351136.11), dbSNP rs772562504, ClinGen allele CA3433397.